The following is an entry in ClinVar:

ClinVar aggregate classification (germline): Conflicting classifications of pathogenicity. Review status: criteria provided, conflicting classifications (1 of 4 stars). 4 submissions from 4 submitters: Likely pathogenic (3); Uncertain significance (1). Last evaluated 2025-09-09.

Conditions:
Autosomal recessive Alport syndrome (ATS2). Also called: Alport syndrome type 2; COL4A4 Alport Syndrome and Thin Basement Membrane Nephropathy; ALPORT SYNDROME 2, AUTOSOMAL RECESSIVE; COL4A3-Related Nephropathy. Identifiers: Orphanet 63, Orphanet 88919, MedGen C4746745, MONDO:0008762, OMIM 203780.
Hematuria, benign familial, 1 (BFH1). Also called: THIN MEMBRANE NEPHROPATHY. Identifiers: MedGen CN376803, MONDO:0007709, OMIM 141200.
Alport syndrome. Also called: Hemorrhagic familial nephritis; Hemorrhagic hereditary nephritis; Congenital hereditary hematuria. Identifiers: Orphanet 63, MedGen C1567741, MONDO:0018965.

Allele frequency attached by ClinVar (database versions not stated): ExAC 0.00001.
gnomAD v4.1: 2 of 1,613,408 alleles (0.00012%); highest among the groups gnomAD compares: Admixed American, 0.0033%; no homozygotes.

Submissions (4):

Natera, Inc.
Classification: Likely pathogenic for Alport syndrome. Last evaluated: 2025-09-09. Review status: criteria provided, single submitter. Criteria: Natera Variant Classification Schema (03/2026). Collection method: clinical testing. Allele origin: germline.
Comment: The c.895G>A variant in COL4A4 is a missense variant predicted to cause substitution of glycine to arginine at amino acid 299. This variant is rare in the general population with a frequency below the threshold expected for the associated phenotype(s). This variant is located in a functionally critical region of the protein. Computational prediction algorithms indicate this variant is likely to affect gene or protein function. Given the available evidence, this variant is classified as Likely Pathogenic.

Labcorp Genetics (formerly Invitae), Labcorp
Classification: Uncertain significance. Last evaluated: 2025-06-27. Review status: criteria provided, single submitter. Criteria: Invitae Variant Classification Sherloc (09022015). Collection method: clinical testing. Allele origin: germline.
Comment: This sequence change replaces glycine, which is neutral and non-polar, with arginine, which is basic and polar, at codon 299 of the COL4A4 protein (p.Gly299Arg). This variant is present in population databases (rs757578262, gnomAD 0.003%). This variant has not been reported in the literature in individuals affected with COL4A4-related conditions. ClinVar contains an entry for this variant (Variation ID: 1803707). Invitae Evidence Modeling of protein sequence and biophysical properties (such as structural, functional, and spatial information, amino acid conservation, physicochemical variation, residue mobility, and thermodynamic stability) indicates that this missense variant is expected to disrupt COL4A4 protein function with a positive predictive value of 95%. In summary, the available evidence is currently insufficient to determine the role of this variant in disease. Therefore, it has been classified as a Variant of Uncertain Significance.

Fulgent Genetics
Classification: Likely pathogenic for Hematuria, benign familial, 1; Autosomal recessive Alport syndrome. Last evaluated: 2024-01-25. Review status: criteria provided, single submitter. Criteria: ACMG Guidelines, 2015. Collection method: clinical testing. Allele origin: germline.

Illumina Laboratory Services, Illumina
Classification: Likely pathogenic for Autosomal recessive Alport syndrome. Last evaluated: 2022-03-25. Review status: criteria provided, single submitter. Criteria: ICSLVariantClassificationCriteria RUGD 01 April 2020. Collection method: clinical testing. Allele origin: unknown.
Comment: The COL4A4 c.895G>A (p.Gly299Arg) missense variant results in the substitution of glycine at amino acid position 299 with arginine, and resides in the collagen domain of the triple-helical region. To our knowledge, this variant has not been reported in the peer-reviewed literature. This variant is reported in the Genome Aggregation Database in one allele at a frequency of 0.000029 in the Latino/Admixed American population (version 2.1.1). This variant is predicted to replace a glycine within the highly conserved Gly-X-Y motif of the COL4A4 protein, which is a common change in COL4A4-associated Alport syndrome (Storey et al. 2013; Savige et al. 2021). Based on the available evidence, the c.895G>A (p.Gly299Arg) variant is classified as likely pathogenic for Alport syndrome.

Literature cited by the submitters: PubMed 24052634 (cited by Illumina Laboratory Services, Illumina); PubMed 33854215 (cited by Illumina Laboratory Services, Illumina).

NM_000092.5(COL4A4):c.895G>A (p.Gly299Arg)

Gene: COL4A4 (collagen type IV alpha 4 chain; minus strand). Cytogenetic location: 2q36.3.
Variant type: single nucleotide variant.
Coding change: c.895G>A on transcript NM_000092.5 (MANE Select); coding-DNA position 895, G replaced by A.
Protein change: p.Gly299Arg; replaces glycine 299 with arginine.
Molecular consequence: missense variant.
Genome position (GRCh38, 1-based): chr2:227,102,824, C>T on the plus strand (G>A on the coding strand, the complement: COL4A4 is on the minus strand). VCF-style: chr2-227102824-C-T. GRCh37 (hg19) VCF-style: chr2-227967540-C-T.
Other names: short protein forms G299R.
Identifiers: ClinVar variation 1803707 (VCV001803707.8), dbSNP rs757578262, ClinGen allele CA2145369.
Genomic context (GRCh38, chr2:227,102,824, plus strand): 5'-GATGTTAACAGCAAATGATGCTTACCCGAGGCCCTGGAAATCCAGGAATACCTTTTTCTC[C>T]TTTTGCCCCAATACCAGATTCTCCCTTTAAGAGATGACAACATTTAGAGGGGTTCAAGCA-3'
Protein context (NP_000083.3, residues 289-309): RKGESGIGAK[Gly299Arg]EKGIPGFPGP